The following is an entry in ClinVar:

NM_012418.4(FSCN2):c.671G>A (p.Cys224Tyr)

Gene: FSCN2 (fascin actin-bundling protein 2, retinal; plus strand). Cytogenetic location: 17q25.3.
Variant type: single nucleotide variant.
Coding change: c.671G>A on transcript NM_012418.4 (MANE Select); coding-DNA position 671, G replaced by A.
Protein change: p.Cys224Tyr; replaces cysteine 224 with tyrosine.
Molecular consequence: missense variant.
Genome position (GRCh38, 1-based): chr17:81,529,202, G>A. VCF-style: chr17-81529202-G-A. GRCh37 (hg19) VCF-style: chr17-79496228-G-A.
Other names: c.671G>A, p.Cys224Tyr (NM_001077182.3); short protein forms C224Y.
Identifiers: ClinVar variation 1928275 (VCV001928275.5), dbSNP rs369222151, ClinGen allele CA8836747.

ClinVar aggregate classification (germline): Uncertain significance (1 of 4 stars; one submission).

Allele frequency attached by ClinVar (database versions not stated): gnomAD exomes 0.00001; ExAC 0.00002; gnomAD 0.00002; TOPMed 0.00002; ESP Exome Variant Server 0.00008.

Submission:

Labcorp Genetics (formerly Invitae), Labcorp
Classification: Uncertain significance. Last evaluated: 2026-01-05. Review status: criteria provided, single submitter. Criteria: Invitae Variant Classification Sherloc (09022015). Collection method: clinical testing. Allele origin: germline.
Comment: This sequence change replaces cysteine, which is neutral and slightly polar, with tyrosine, which is neutral and polar, at codon 224 of the FSCN2 protein (p.Cys224Tyr). The frequency data for this variant in the population databases is considered unreliable, as metrics indicate poor data quality at this position in the gnomAD database. This variant has not been reported in the literature in individuals affected with FSCN2-related conditions. ClinVar contains an entry for this variant (Variation ID: 1928275). An algorithm developed to predict the effect of missense changes on protein structure and function (PolyPhen-2) suggests that this variant is likely to be disruptive. In summary, the available evidence is currently insufficient to determine the role of this variant in disease. Therefore, it has been classified as a Variant of Uncertain Significance.